The following is an entry in ClinVar:

ClinVar aggregate classification (germline): Uncertain significance (1 of 4 stars; one submission).

Submission:

GeneDx
Classification: Uncertain significance. Last evaluated: 2025-06-15. Review status: criteria provided, single submitter. Criteria: GeneDx Variant Classification Process June 2021. Collection method: clinical testing. Allele origin: germline. Affected: yes.
Comment: Not observed at significant frequency in large population cohorts (gnomAD); In silico analysis supports that this missense variant has a deleterious effect on protein structure/function; Has not been previously published as pathogenic or benign to our knowledge

NM_004064.5(CDKN1B):c.77C>A (p.Pro26His)

Gene: CDKN1B (cyclin dependent kinase inhibitor 1B; plus strand). Cytogenetic location: 12p13.1.
Variant type: single nucleotide variant.
Coding change: c.77C>A on transcript NM_004064.5 (MANE Select); coding-DNA position 77, C replaced by A.
Protein change: p.Pro26His; replaces proline 26 with histidine.
Molecular consequence: missense variant.
Genome position (GRCh38, 1-based): chr12:12,717,916, C>A. VCF-style: chr12-12717916-C-A. GRCh37 (hg19) VCF-style: chr12-12870850-C-A.
Other names: short protein forms P26H.
Identifiers: ClinVar variation 4537689 (VCV004537689.1).